The following is an entry in ClinVar:

ClinVar aggregate classification (germline): Uncertain significance (1 of 4 stars; one submission).

Submission:

Women's Health and Genetics/Laboratory Corporation of America, LabCorp
Classification: Uncertain significance. Last evaluated: 2025-12-03. Review status: criteria provided, single submitter. Criteria: LabCorp Variant Classification Summary - May 2015. Collection method: clinical testing. Allele origin: germline.
Comment: Variant summary: The variant involves the duplication of exons 17-18 in the CDC42BPB gene. It is assumed to be a tandem duplication in direct orientation (PMIDs: 25640679, 30054569). This Copy Number Variant (CNV) is predicted to result in an in-frame duplication within this gene. A presumed nomenclature of c.(2346+1_2347-1)_(2577+1_2578-1)dup has been designated for the purposes of this classification. The variant was absent in 21562 control chromosomes (gnomAD). The available data on variant occurrences in the general population are insufficient to allow any conclusion about variant significance. To our knowledge, no occurrence of c.(2346+1_2347-1)_(2577+1_2578-1)dup in individuals affected with CDC42BPB-related conditions and no experimental evidence demonstrating its impact on protein function have been reported. No submitters have cited clinical-significance assessments for this variant to ClinVar. Based on the evidence outlined above, the variant was classified as uncertain significance.

NC_000014.8:g.(103430988_103432618)_(103433508_103434589)dup

Gene: CDC42BPB (CDC42 binding protein kinase beta; minus strand). Cytogenetic location: 14q32.32.
Variant type: Duplication.
Identifiers: ClinVar variation 4688600 (VCV004688600.1).